The following is an entry in ClinVar:

ClinVar aggregate classification (germline): Uncertain significance (1 of 4 stars; one submission).

Conditions:
Capillary malformation-arteriovenous malformation syndrome. Also called: Capillary malformation-arteriovenous malformation. Identifiers: Orphanet 137667, MedGen C1842180, MONDO:0012016.

Submission:

Labcorp Genetics (formerly Invitae), Labcorp
Classification: Uncertain significance for Capillary malformation-arteriovenous malformation syndrome. Last evaluated: 2023-05-22. Review status: criteria provided, single submitter. Criteria: Invitae Variant Classification Sherloc (09022015). Collection method: clinical testing. Allele origin: germline.
Comment: This variant is not present in population databases (gnomAD no frequency). This sequence change replaces tyrosine, which is neutral and polar, with asparagine, which is neutral and polar, at codon 30 of the RASA1 protein (p.Tyr30Asn). In summary, the available evidence is currently insufficient to determine the role of this variant in disease. Therefore, it has been classified as a Variant of Uncertain Significance. An algorithm developed to predict the effect of missense changes on protein structure and function (PolyPhen-2) suggests that this variant is likely to be disruptive. This variant has not been reported in the literature in individuals affected with RASA1-related conditions.

NM_002890.3(RASA1):c.88T>A (p.Tyr30Asn)

Gene: RASA1 (RAS p21 protein activator 1; plus strand). Cytogenetic location: 5q14.3.
Variant type: single nucleotide variant.
Coding change: c.88T>A on transcript NM_002890.3 (MANE Select); coding-DNA position 88, T replaced by A.
Protein change: p.Tyr30Asn; replaces tyrosine 30 with asparagine.
Molecular consequence: missense variant.
Genome position (GRCh38, 1-based): chr5:87,268,539, T>A. VCF-style: chr5-87268539-T-A. GRCh37 (hg19) VCF-style: chr5-86564356-T-A.
Other names: short protein forms Y30N.
Identifiers: ClinVar variation 2850285 (VCV002850285.3), dbSNP rs2531002210, ClinGen allele CA360416756.